The following is an entry in ClinVar:

ClinVar aggregate classification (germline): Likely benign (0 of 4 stars; one submission).

Conditions:
SEMA3F-related disorder. Also called: SEMA3F-related condition.

Allele frequency attached by ClinVar (database versions not stated): gnomAD 0.00002; TOPMed 0.00002.
gnomAD v4.1: 14 of 1,613,974 alleles (0.00087%); highest among the groups gnomAD compares: Non-Finnish European, 0.0012%; no homozygotes.

Submission:

PreventionGenetics, part of Exact Sciences
Classification: Likely benign for SEMA3F-related condition. Last evaluated: 2024-01-02. Review status: no assertion criteria provided. Collection method: clinical testing. Allele origin: germline.
Comment: This variant is classified as likely benign based on ACMG/AMP sequence variant interpretation guidelines (Richards et al. 2015 PMID: 25741868, with internal and published modifications).

NM_004186.5(SEMA3F):c.1197C>A (p.Pro399=)

Gene: SEMA3F (semaphorin 3F; plus strand). Cytogenetic location: 3p21.31.
Variant type: single nucleotide variant.
Coding change: c.1197C>A on transcript NM_004186.5 (MANE Select); coding-DNA position 1197, C replaced by A.
Protein change: p.Pro399=; no amino-acid change (proline 399 retained).
Molecular consequence: synonymous variant.
Genome position (GRCh38, 1-based): chr3:50,183,528, C>A. VCF-style: chr3-50183528-C-A. GRCh37 (hg19) VCF-style: chr3-50220961-C-A.
Other names: c.900C>A, p.Pro300= (NM_001318798.2); c.1104C>A, p.Pro368= (NM_001318800.2).
Identifiers: ClinVar variation 3029949 (VCV003029949.2), dbSNP rs756979411, ClinGen allele CA433860298.
Genomic context (GRCh38, chr3:50,183,528, plus strand): 5'-TCGCATGGTCTTCAACGGGCCCTTTGCCCACAAAGAGGGGCCCAACTACCAGTGGATGCC[C>A]TTCTCAGGGAAGATGCCCTACCCACGGCCGGGCACGGTAAGGACCCCACTCATCCTGCCT-3'
Protein context (NP_004177.3, residues 389-409): HKEGPNYQWM[Pro399=]FSGKMPYPRP